The following is an entry in ClinVar:

NM_000135.4(FANCA):c.2728C>A (p.Leu910Ile)

Gene: FANCA (FA complementation group A; minus strand). Cytogenetic location: 16q24.3.
Variant type: single nucleotide variant.
Coding change: c.2728C>A on transcript NM_000135.4 (MANE Select); coding-DNA position 2728, C replaced by A.
Protein change: p.Leu910Ile; replaces leucine 910 with isoleucine.
Molecular consequence: missense variant.
Genome position (GRCh38, 1-based): chr16:89,764,940, G>T on the plus strand (C>A on the coding strand, the complement: FANCA is on the minus strand). VCF-style: chr16-89764940-G-T. GRCh37 (hg19) VCF-style: chr16-89831348-G-T.
Other names: c.2728C>A (NM_000135.2); c.2728C>A, p.Leu910Ile (NM_001286167.3); short protein forms L910I.
Identifiers: ClinVar variation 1506107 (VCV001506107.9), dbSNP rs1216426444, ClinGen allele CA397438143.

ClinVar aggregate classification (germline): Uncertain significance. Review status: criteria provided, multiple submitters, no conflicts (2 of 4 stars). 3 submissions from 3 submitters: Uncertain significance (3). Last evaluated 2025-08-24.

Conditions:
Inborn genetic diseases. Identifiers: MedGen C0950123, MeSH D030342.
Fanconi anemia (FA). Also called: Fanconi's anemia. Identifiers: Orphanet 84, MedGen C0015625, MeSH D005199, MONDO:0019391.
Fanconi anemia complementation group A (FANCA). Also called: FANCA-Related Fanconi Anemia; Fanconi anemia, group A. Identifiers: Orphanet 84, MedGen C3469521, MONDO:0009215, OMIM 227650.

Allele frequency attached by ClinVar (database versions not stated): gnomAD exomes below 0.00001; TOPMed below 0.00001.

Submissions (3):

Ambry Genetics
Classification: Uncertain significance for Inborn genetic diseases. Last evaluated: 2025-08-24. Review status: criteria provided, single submitter. Criteria: Ambry Variant Classification Scheme 2023. Collection method: clinical testing. Allele origin: germline.

Labcorp Genetics (formerly Invitae), Labcorp
Classification: Uncertain significance for Fanconi anemia. Last evaluated: 2025-03-17. Review status: criteria provided, single submitter. Criteria: Invitae Variant Classification Sherloc (09022015). Collection method: clinical testing. Allele origin: germline.
Comment: This sequence change replaces leucine, which is neutral and non-polar, with isoleucine, which is neutral and non-polar, at codon 910 of the FANCA protein (p.Leu910Ile). This variant is present in population databases (no rsID available, gnomAD 0.007%). This variant has not been reported in the literature in individuals affected with FANCA-related conditions. ClinVar contains an entry for this variant (Variation ID: 1506107). Invitae Evidence Modeling of protein sequence and biophysical properties (such as structural, functional, and spatial information, amino acid conservation, physicochemical variation, residue mobility, and thermodynamic stability) has been performed for this missense variant. However, the output from this modeling did not meet the statistical confidence thresholds required to predict the impact of this variant on FANCA protein function. In summary, the available evidence is currently insufficient to determine the role of this variant in disease. Therefore, it has been classified as a Variant of Uncertain Significance.

Fulgent Genetics
Classification: Uncertain significance for Fanconi anemia complementation group A. Last evaluated: 2021-11-12. Review status: criteria provided, single submitter. Criteria: ACMG Guidelines, 2015. Collection method: clinical testing. Allele origin: unknown.